The following is an entry in ClinVar:

NM_000069.3(CACNA1S):c.4866G>A (p.Met1622Ile)

Gene: CACNA1S (calcium voltage-gated channel subunit alpha1 S; minus strand). Cytogenetic location: 1q32.1.
Variant type: single nucleotide variant.
Coding change: c.4866G>A on transcript NM_000069.3 (MANE Select); coding-DNA position 4866, G replaced by A.
Protein change: p.Met1622Ile; replaces methionine 1622 with isoleucine.
Molecular consequence: missense variant.
Genome position (GRCh38, 1-based): chr1:201,043,463, C>T on the plus strand (G>A on the coding strand, the complement: CACNA1S is on the minus strand). VCF-style: chr1-201043463-C-T. GRCh37 (hg19) VCF-style: chr1-201012591-C-T.
Other names: short protein forms M1622I.
Identifiers: ClinVar variation 4757143 (VCV004757143.1).
Genomic context (GRCh38, chr1:201,043,463, plus strand): 5'-GACAGGTGACTCCATCTCTTCCATCTCTATCTCAGCAAACTGGAGGGGTCTCTGATTGGC[C>T]ATGACGGGGGGCAGGGAGTTGGTCCTTTCCAGGAAGTTGTCCACCTGGCCAAACAGGCCT-3'
Protein context (NP_000060.2, residues 1612-1632): LERTNSLPPV[Met1622Ile]ANQRPLQFAE

ClinVar aggregate classification (germline): Uncertain significance (1 of 4 stars; one submission).

Conditions:
Malignant hyperthermia, susceptibility to, 5 (MHS5). Also called: CACNA1S-Related Malignant Hyperthermia Susceptibility. Identifiers: Orphanet 423, MedGen C1866077, MONDO:0011163, OMIM 601887.

Submission:

Color Diagnostics, LLC DBA Color Health
Classification: Uncertain significance for Malignant hyperthermia, susceptibility to, 5. Last evaluated: 2025-06-09. Review status: criteria provided, single submitter. Criteria: ACMG Guidelines, 2015. Collection method: clinical testing. Allele origin: germline.
Comment: This missense variant replaces methionine with isoleucine at codon 1622 of the CACNA1S protein. Computational prediction suggests that this variant may not impact protein structure and function. To our knowledge, functional studies have not been reported for this variant. This variant has not been reported in individuals affected with CACNA1S-related disorders in the literature. This variant has been identified in 1/251422 chromosomes in the general population by the Genome Aggregation Database (gnomAD). The available evidence is insufficient to determine the role of this variant in disease conclusively. Therefore, this variant is classified as a Variant of Uncertain Significance.